The following is an entry in ClinVar:

ClinVar aggregate classification (germline): Likely benign (1 of 4 stars; one submission).

Allele frequency attached by ClinVar (database versions not stated): gnomAD 0.00001; TOPMed 0.00001; gnomAD exomes 0.00002; ExAC 0.00003.
gnomAD v4.1: 36 of 1,613,928 alleles (0.0022%); highest among the groups gnomAD compares: Non-Finnish European, 0.0027%; no homozygotes.

Submission:

CeGaT Center for Human Genetics Tuebingen
Classification: Likely benign. Last evaluated: 2024-04-01. Review status: criteria provided, single submitter. Criteria: CeGaT Center For Human Genetics Tuebingen Variant Classification Criteria Version 2. Collection method: clinical testing. Allele origin: germline. Affected: yes. Observed: 1 variant allele.
Comment: CENPF: BP4, BP7

NM_016343.4(CENPF):c.900C>T (p.Arg300=)

Gene: CENPF (centromere protein F; plus strand). Cytogenetic location: 1q41.
Variant type: single nucleotide variant.
Coding change: c.900C>T on transcript NM_016343.4 (MANE Select); coding-DNA position 900, C replaced by T.
Protein change: p.Arg300=; no amino-acid change (arginine 300 retained).
Molecular consequence: synonymous variant.
Genome position (GRCh38, 1-based): chr1:214,622,113, C>T. VCF-style: chr1-214622113-C-T. GRCh37 (hg19) VCF-style: chr1-214795456-C-T.
Identifiers: ClinVar variation 3234429 (VCV003234429.20), dbSNP rs748669126, ClinGen allele CA1389880.